The following is an entry in ClinVar:

NM_021930.6(RINT1):c.1519G>T (p.Glu507Ter)

Gene: RINT1 (RAD50 interactor 1; plus strand). Cytogenetic location: 7q22.3.
Variant type: single nucleotide variant.
Coding change: c.1519G>T on transcript NM_021930.6 (MANE Select); coding-DNA position 1519, G replaced by T.
Protein change: p.Glu507Ter; replaces glutamic acid 507 with a stop codon.
Molecular consequence: nonsense.
Genome position (GRCh38, 1-based): chr7:105,555,075, G>T. VCF-style: chr7-105555075-G-T. GRCh37 (hg19) VCF-style: chr7-105195522-G-T.
Other names: c.1285G>T, p.Glu429Ter (NM_001346599.2); c.496G>T, p.Glu166Ter (NM_001346600.2, NM_001346603.2); c.595G>T, p.Glu199Ter (NM_001346601.2); short protein forms E166*, E429*, E507*, E199*.
Identifiers: ClinVar variation 2726355 (VCV002726355.3), dbSNP rs143184349, ClinGen allele CA368811411.

ClinVar aggregate classification (germline): Pathogenic (1 of 4 stars; one submission).

gnomAD v4.1: 1 of 1,613,994 alleles (0.000062%); highest among the groups gnomAD compares: Non-Finnish European, 0.000085%; no homozygotes.

Submission:

Labcorp Genetics (formerly Invitae), Labcorp
Classification: Pathogenic. Last evaluated: 2023-11-03. Review status: criteria provided, single submitter. Criteria: Invitae Variant Classification Sherloc (09022015). Collection method: clinical testing. Allele origin: germline.
Comment: This sequence change creates a premature translational stop signal (p.Glu507*) in the RINT1 gene. It is expected to result in an absent or disrupted protein product. Loss-of-function variants in RINT1 are known to be pathogenic (PMID: 31204009). This variant is not present in population databases (gnomAD no frequency). This variant has not been reported in the literature in individuals affected with RINT1-related conditions. Algorithms developed to predict the effect of sequence changes on RNA splicing suggest that this variant may disrupt the consensus splice site. For these reasons, this variant has been classified as Pathogenic.

Literature cited by the submitters: PubMed 31204009.